The following is an entry in ClinVar:

ClinVar aggregate classification (germline): Pathogenic (1 of 4 stars; one submission).

Conditions:
Hereditary cancer-predisposing syndrome. Also called: Neoplastic Syndromes, Hereditary; Tumor predisposition; Hereditary neoplastic syndrome; Hereditary Cancer Syndrome. Identifiers: Orphanet 140162, MedGen C0027672, MeSH D009386, MONDO:0015356.

Submission:

Ambry Genetics
Classification: Pathogenic for Hereditary cancer-predisposing syndrome. Last evaluated: 2022-11-17. Review status: criteria provided, single submitter. Criteria: Ambry Variant Classification Scheme 2023. Collection method: clinical testing. Allele origin: germline.
Comment: The c.987delinsCA pathogenic mutation, located in coding exon 9 of the BRCA2 gene, results from the deletion of one nucleotide and insertion of two nucleotides causing a translational frameshift with a predicted alternate stop codon (p.R329Sfs*7). This variant is considered to be rare based on population cohorts in the Genome Aggregation Database (gnomAD). This alteration is expected to result in loss of function by premature protein truncation or nonsense-mediated mRNA decay. As such, this alteration is interpreted as a disease-causing mutation.

NM_000059.4(BRCA2):c.987delinsCA (p.Arg329fs)

Gene: BRCA2 (BRCA2 DNA repair associated; plus strand). Cytogenetic location: 13q13.1.
Variant type: Indel.
Coding change: c.987delinsCA on transcript NM_000059.4 (MANE Select); coding-DNA position 987, G replaced by CA.
Protein change: p.Arg329fs; shifts the reading frame from arginine 329.
Molecular consequence: frameshift variant. On other transcripts: non-coding transcript variant (1), intron variant (1).
Genome position (GRCh38, 1-based): chr13:32,332,465, G replaced by CA. VCF-style: chr13-32332465-G-CA. GRCh37 (hg19) VCF-style: chr13-32906602-G-CA.
Other names: c.987delGinsCA, p.Arg329Serfs (NM_000059.3); c.987delinsCA, p.Arg329fs (NM_001406719.1, NM_001406720.1, NM_001406721.1); c.424+1435delinsCA (NM_001406722.1); short protein forms R329fs.
Identifiers: ClinVar variation 2451495 (VCV002451495.2), dbSNP rs2548519284, ClinGen allele CA2580087189.
Genomic context (GRCh38, chr13:32,332,465, plus strand): 5'-ATTATGTTTTTCTAAATGTAGAACAAAAAATCTACAAAAAGTAAGAACTAGCAAGACTAG[G>CA]AAAAAAATTTTCCATGAAGCAAACGCTGATGAATGTGAAAAATCTAAAAACCAAGTGAAA-3'